The following is an entry in ClinVar:

NM_000179.3(MSH6):c.1199A>C (p.Glu400Ala)

Gene: MSH6 (mutS homolog 6; plus strand). Cytogenetic location: 2p16.3.
Variant type: single nucleotide variant.
Coding change: c.1199A>C on transcript NM_000179.3 (MANE Select); coding-DNA position 1199, A replaced by C.
Protein change: p.Glu400Ala; replaces glutamic acid 400 with alanine.
Molecular consequence: missense variant. On other transcripts: non-coding transcript variant (4), intron variant (1).
Genome position (GRCh38, 1-based): chr2:47,799,182, A>C. VCF-style: chr2-47799182-A-C. GRCh37 (hg19) VCF-style: chr2-48026321-A-C.
Other names: c.809A>C, p.Glu270Ala (NM_001281492.2); c.293A>C, p.Glu98Ala (NM_001281493.2, NM_001281494.2, NM_001406811.1 and 6 more transcripts); c.1295A>C, p.Glu432Ala (NM_001406795.1, NM_001406802.1); c.1199A>C, p.Glu400Ala (NM_001406796.1, NM_001406798.1, NM_001406800.1 and 4 more transcripts); c.902A>C, p.Glu301Ala (NM_001406797.1, NM_001406801.1, NM_001406805.1 and 10 more transcripts); c.674A>C, p.Glu225Ala (NM_001406799.1, NM_001406806.1, NM_001406807.1); c.1121A>C, p.Glu374Ala (NM_001406804.1); c.1205A>C, p.Glu402Ala (NM_001406813.1); and 2 more; short protein forms E301A, E374A, E98A, E225A, E270A, E344A, E402A, E400A.
Identifiers: ClinVar variation 2567477 (VCV002567477.2), dbSNP rs932458640, ClinGen allele CA346743408.

ClinVar aggregate classification (germline): Uncertain significance (1 of 4 stars; one submission).

Conditions:
Hereditary cancer-predisposing syndrome. Also called: Hereditary neoplastic syndrome; Hereditary Cancer Syndrome; Neoplastic Syndromes, Hereditary; Tumor predisposition. Identifiers: Orphanet 140162, MedGen C0027672, MeSH D009386, MONDO:0015356.

Submission:

Ambry Genetics
Classification: Uncertain significance for Hereditary cancer-predisposing syndrome. Last evaluated: 2023-05-08. Review status: criteria provided, single submitter. Criteria: Ambry Variant Classification Scheme 2023. Collection method: clinical testing. Allele origin: germline.
Comment: The p.E400A variant (also known as c.1199A>C), located in coding exon 4 of the MSH6 gene, results from an A to C substitution at nucleotide position 1199. The glutamic acid at codon 400 is replaced by alanine, an amino acid with dissimilar properties. This amino acid position is conserved. In addition, the in silico prediction for this alteration is inconclusive. Since supporting evidence is limited at this time, the clinical significance of this alteration remains unclear.